The following is an entry in ClinVar:

NM_138425.4(C12orf57):c.32dup (p.Leu11fs)

Gene: C12orf57 (chromosome 12 open reading frame 57; plus strand). Cytogenetic location: 12p13.31.
Variant type: Duplication.
Coding change: c.32dup on transcript NM_138425.4 (MANE Select); coding-DNA position 32, one base duplicated (T; older notation c.32dupT).
Protein change: p.Leu11fs; shifts the reading frame from leucine 11.
Molecular consequence: frameshift variant. On other transcripts: 5 prime UTR variant (1), non-coding transcript variant (1), intron variant (1).
Genome position (GRCh38, 1-based): chr12:6,944,153, T duplicated; the last of 2 consecutive T bases (chr12:6,944,152-6,944,153); duplicating either gives the same sequence. VCF-style (leftmost placement, unchanged base first): chr12-6944151-C-CT. GRCh37 (hg19) VCF-style: chr12-7053314-C-CT.
Other names: c.32dup, p.Leu11fs (NM_001301834.1, NM_001301837.2); c.-170dup (NM_001301838.2); c.14-323dup (NM_001301836.2); short protein forms L11fs.
Identifiers: ClinVar variation 2574879 (VCV002574879.1), dbSNP rs1169987249, ClinGen allele CA691368903.

ClinVar aggregate classification (germline): Uncertain significance (1 of 4 stars; one submission).

Submission:

GeneDx
Classification: Uncertain significance. Last evaluated: 2023-02-03. Review status: criteria provided, single submitter. Criteria: GeneDx Variant Classification Process June 2021. Collection method: clinical testing. Allele origin: germline. Affected: yes.
Comment: Frameshift variant predicted to result in protein truncation or nonsense mediated decay in a gene or region of a gene for which loss of function is not a well-established mechanism of disease; Not observed at significant frequency in large population cohorts (gnomAD); Has not been previously published as pathogenic or benign to our knowledge